The following is an entry in ClinVar:

ClinVar aggregate classification (germline): Pathogenic (1 of 4 stars; one submission).

Conditions:
Intellectual developmental disorder, X-linked 1. Also called: Atkin Flaitz Patil Smith syndrome; MENTAL RETARDATION, X-LINKED 18; MENTAL RETARDATION, X-LINKED 78; Intellectual disability, X-linked 1. Identifiers: Orphanet 777, MedGen C2931498, MONDO:0010656, OMIM 309530.

Submission:

Labcorp Genetics (formerly Invitae), Labcorp
Classification: Pathogenic for Intellectual developmental disorder, X-linked 1. Last evaluated: 2025-05-01. Review status: criteria provided, single submitter. Criteria: Invitae Variant Classification Sherloc (09022015). Collection method: clinical testing. Allele origin: germline.
Comment: This sequence change creates a premature translational stop signal (p.Glu996Argfs*22) in the IQSEC2 gene. It is expected to result in an absent or disrupted protein product. Loss-of-function variants in IQSEC2 are known to be pathogenic (PMID: 21686261, 26793055, 27665735). This variant is not present in population databases (gnomAD no frequency). This variant has not been reported in the literature in individuals affected with IQSEC2-related conditions. For these reasons, this variant has been classified as Pathogenic.

Literature cited by the submitters: PubMed 21686261; PubMed 26793055; PubMed 27665735.

NM_001111125.3(IQSEC2):c.2986del (p.Glu996fs)

Gene: IQSEC2 (IQ motif and Sec7 domain ArfGEF 2; minus strand). Cytogenetic location: Xp11.22.
Variant type: Deletion.
Coding change: c.2986del on transcript NM_001111125.3 (MANE Select); coding-DNA position 2986, one base deleted (G; older notation c.2986delG).
Protein change: p.Glu996fs; shifts the reading frame from glutamic acid 996.
Molecular consequence: frameshift variant.
Genome position (GRCh38, 1-based): chrX:53,241,813, C deleted on the plus strand (G on the coding strand, the reverse complement: IQSEC2 is on the minus strand); the first of 3 consecutive C bases (chrX:53,241,813-53,241,815); deleting any one gives the same sequence. VCF-style (leftmost placement, unchanged base first): chrX-53241812-TC-T. GRCh37 (hg19) VCF-style: chrX-53270994-TC-T.
Other names: c.2986del, p.Glu996fs (NM_001410736.1, NM_001441092.1); c.2488del, p.Glu830fs (NM_001441093.1); c.2275del, p.Glu759fs (NM_001441094.1, NM_001441095.1); c.2371del, p.Glu791fs (NM_015075.2); short protein forms E791fs, E759fs, E830fs, E996fs.
Identifiers: ClinVar variation 4718775 (VCV004718775.1).